The following is an entry in ClinVar:

ClinVar aggregate classification (germline): Uncertain significance. Review status: criteria provided, multiple submitters, no conflicts (2 of 4 stars). 2 submissions from 2 submitters: Uncertain significance (2). Last evaluated 2026-02-12.

Conditions:
Hereditary breast ovarian cancer syndrome. Also called: Hereditary breast and ovarian cancer syndrome; BRCA1- and BRCA2-Associated Hereditary Breast and Ovarian Cancer; Hereditary breast and ovarian cancer syndrome (HBOC); Breast and ovarian cancer; Hereditary breast and/or ovarian cancer syndrome; Hereditary breast and ovarian cancer. Identifiers: Orphanet 145, MedGen C0677776, MeSH D061325, MONDO:0003582. Disease mechanism: loss of function.

Submissions (2):

Women's Health and Genetics/Laboratory Corporation of America, LabCorp
Classification: Uncertain significance. Last evaluated: 2026-02-12. Review status: criteria provided, single submitter. Criteria: LabCorp Variant Classification Summary - May 2015. Collection method: clinical testing. Allele origin: germline.
Comment: Variant summary: BRCA2 c.3922_3924delGAA (p.Glu1308del) results in an in-frame deletion that is predicted to remove one amino acid from the encoded protein. The frequency data for this variant in gnomAD is considered unreliable, as metrics indicate poor data quality at this position. To our knowledge, no occurrence of c.3922_3924delGAA in individuals affected with BRCA2-related conditions and no experimental evidence demonstrating its impact on protein function have been reported. ClinVar contains an entry for this variant (Variation ID: 576258). Based on the evidence outlined above, the variant was classified as uncertain significance.

Labcorp Genetics (formerly Invitae), Labcorp
Classification: Uncertain significance for Hereditary breast ovarian cancer syndrome. Last evaluated: 2021-08-30. Review status: criteria provided, single submitter. Criteria: Invitae Variant Classification Sherloc (09022015). Collection method: clinical testing. Allele origin: germline.
Comment: This variant, c.3922_3924del, results in the deletion of 1 amino acid(s) of the BRCA2 protein (p.Glu1308del), but otherwise preserves the integrity of the reading frame. This variant is not present in population databases (ExAC no frequency). This variant has not been reported in the literature in individuals affected with BRCA2-related conditions. Experimental studies and prediction algorithms are not available or were not evaluated, and the functional significance of this variant is currently unknown. In summary, the available evidence is currently insufficient to determine the role of this variant in disease. Therefore, it has been classified as a Variant of Uncertain Significance.

NM_000059.4(BRCA2):c.3919GAA[1] (p.Glu1308del)

Gene: BRCA2 (BRCA2 DNA repair associated; plus strand). Cytogenetic location: 13q13.1.
Variant type: Microsatellite.
Coding change: c.3919GAA[1] on transcript NM_000059.4 (MANE Select); one copy of the 3-base unit GAA starting at c.3919; the reference has two copies in a row; one copy, 3 bases deleted.
Protein change: p.Glu1308del; deletes glutamic acid 1308.
Molecular consequence: inframe deletion.
Genome position (GRCh38, 1-based): chr13:32,338,277-32,338,279, GAA deleted; deleting any 3 consecutive bases within chr13:32,338,274-32,338,279 gives the same sequence; the position shown is the placement nearest the transcript's 3' end. VCF-style (leftmost placement, unchanged base first): chr13-32338273-TGAA-T. GRCh37 (hg19) VCF-style: chr13-32912410-TGAA-T.
Other names: c.3922_3924delGAA (NM_000059.3, NM_000059.4); short protein forms E1308del.
Identifiers: ClinVar variation 576258 (VCV000576258.7), dbSNP rs1566229394, ClinGen allele CA891844452.